The following is an entry in ClinVar:

NM_014425.5(INVS):c.2543T>C (p.Leu848Ser)

Gene: INVS (inversin; plus strand). Cytogenetic location: 9q31.1.
Variant type: single nucleotide variant.
Coding change: c.2543T>C on transcript NM_014425.5 (MANE Select); coding-DNA position 2543, T replaced by C.
Protein change: p.Leu848Ser; replaces leucine 848 with serine.
Molecular consequence: missense variant. On other transcripts: non-coding transcript variant (1).
Genome position (GRCh38, 1-based): chr9:100,292,800, T>C. VCF-style: chr9-100292800-T-C. GRCh37 (hg19) VCF-style: chr9-103055082-T-C.
Other names: c.2255T>C, p.Leu752Ser (NM_001318381.2); c.1565T>C, p.Leu522Ser (NM_001318382.2); short protein forms L752S, L848S, L522S.
Identifiers: ClinVar variation 1503678 (VCV001503678.4), dbSNP rs2118763519, ClinGen allele CA374243879.

ClinVar aggregate classification (germline): Uncertain significance (1 of 4 stars; one submission).

Conditions:
Nephronophthisis. Also called: Juvenile Nephronophthisis. Identifiers: Orphanet 655, MedGen C0687120, MONDO:0019005, HP:0000090.

Submission:

Labcorp Genetics (formerly Invitae), Labcorp
Classification: Uncertain significance for Nephronophthisis. Last evaluated: 2021-11-05. Review status: criteria provided, single submitter. Criteria: Invitae Variant Classification Sherloc (09022015). Collection method: clinical testing. Allele origin: germline.
Comment: This sequence change replaces leucine, which is neutral and non-polar, with serine, which is neutral and polar, at codon 848 of the INVS protein (p.Leu848Ser). This variant is not present in population databases (gnomAD no frequency). This variant has not been reported in the literature in individuals affected with INVS-related conditions. Algorithms developed to predict the effect of missense changes on protein structure and function output the following: SIFT: "Tolerated"; PolyPhen-2: "Benign"; Align-GVGD: "Class C0". The serine amino acid residue is found in multiple mammalian species, which suggests that this missense change does not adversely affect protein function. In summary, the available evidence is currently insufficient to determine the role of this variant in disease. Therefore, it has been classified as a Variant of Uncertain Significance.